The following is an entry in ClinVar:

NM_198334.3(GANAB):c.1304G>A (p.Gly435Asp)

Gene: GANAB (glucosidase II alpha subunit; minus strand). Cytogenetic location: 11q12.3.
Variant type: single nucleotide variant.
Coding change: c.1304G>A on transcript NM_198334.3 (MANE Select); coding-DNA position 1304, G replaced by A.
Protein change: p.Gly435Asp; replaces glycine 435 with aspartic acid.
Molecular consequence: missense variant.
Genome position (GRCh38, 1-based): chr11:62,630,683, C>T on the plus strand (G>A on the coding strand, the complement: GANAB is on the minus strand). VCF-style: chr11-62630683-C-T. GRCh37 (hg19) VCF-style: chr11-62398155-C-T.
Other names: c.1028G>A, p.Gly343Asp (NM_001278192.2); c.962G>A, p.Gly321Asp (NM_001278193.2); c.1013G>A, p.Gly338Asp (NM_001278194.2, NM_001329222.2, NM_001329223.2); c.581G>A, p.Gly194Asp (NM_001329224.2, NM_001329225.2); c.1370G>A, p.Gly457Asp (NM_198335.4); short protein forms G194D, G321D, G338D, G343D, G435D, G457D.
Identifiers: ClinVar variation 1710834 (VCV001710834.2), dbSNP rs2496336319, ClinGen allele CA380993439.

ClinVar aggregate classification (germline): Uncertain significance (1 of 4 stars; one submission).

Allele frequency attached by ClinVar (database versions not stated): gnomAD exomes below 0.00001.
gnomAD v4.1: 2 of 1,614,174 alleles (0.00012%); highest among the groups gnomAD compares: Non-Finnish European, 0.00017%; no homozygotes.

Submission:

GeneDx
Classification: Uncertain significance. Last evaluated: 2022-04-13. Review status: criteria provided, single submitter. Criteria: GeneDx Variant Classification Process June 2021. Collection method: clinical testing. Allele origin: germline. Affected: yes.
Comment: Not observed at significant frequency in large population cohorts (gnomAD); In silico analysis supports that this missense variant has a deleterious effect on protein structure/function; Has not been previously published as pathogenic or benign to our knowledge